The following is an entry in ClinVar:

ClinVar aggregate classification (germline): Uncertain significance (1 of 4 stars; one submission).

Conditions:
Left ventricular noncompaction 8 (LVNC8). Identifiers: Orphanet 154, Orphanet 54260, MedGen C3809288, MONDO:0014152, OMIM 615373.

Allele frequency attached by ClinVar (database versions not stated): gnomAD exomes below 0.00001.
gnomAD v4.1: 1 of 1,613,980 alleles (0.000062%); highest among the groups gnomAD compares: Admixed American, 0.0017%; no homozygotes.

Submission:

Labcorp Genetics (formerly Invitae), Labcorp
Classification: Uncertain significance for Left ventricular noncompaction 8. Last evaluated: 2025-10-19. Review status: criteria provided, single submitter. Criteria: Invitae Variant Classification Sherloc (09022015). Collection method: clinical testing. Allele origin: germline.
Comment: This sequence change affects codon 130 of the PRDM16 mRNA. It is a 'silent' change, meaning that it does not change the encoded amino acid sequence of the PRDM16 protein. This variant is present in population databases (no rsID available, gnomAD 0.003%). This variant has not been reported in the literature in individuals affected with PRDM16-related conditions. ClinVar contains an entry for this variant (Variation ID: 1046488). Algorithms developed to predict the effect of sequence changes on RNA splicing suggest that this variant may create or strengthen a splice site. In summary, the available evidence is currently insufficient to determine the role of this variant in disease. Therefore, it has been classified as a Variant of Uncertain Significance.

NM_022114.4(PRDM16):c.390A>G (p.Gln130=)

Gene: PRDM16 (PR/SET domain 16; plus strand). Cytogenetic location: 1p36.32.
Variant type: single nucleotide variant.
Coding change: c.390A>G on transcript NM_022114.4 (MANE Select); coding-DNA position 390, A replaced by G.
Protein change: p.Gln130=; no amino-acid change (glutamine 130 retained).
Molecular consequence: synonymous variant.
Genome position (GRCh38, 1-based): chr1:3,244,089, A>G. VCF-style: chr1-3244089-A-G. GRCh37 (hg19) VCF-style: chr1-3160653-A-G.
Other names: c.390A>G, p.Gln130= (NM_199454.3).
Identifiers: ClinVar variation 1046488 (VCV001046488.8), dbSNP rs1191137350, ClinGen allele CA415722121.